The following is an entry in ClinVar:

NM_133433.4(NIPBL):c.842C>G (p.Pro281Arg)

Gene: NIPBL (NIPBL cohesin loading factor; plus strand). Cytogenetic location: 5p13.2.
Variant type: single nucleotide variant.
Coding change: c.842C>G on transcript NM_133433.4 (MANE Select); coding-DNA position 842, C replaced by G.
Protein change: p.Pro281Arg; replaces proline 281 with arginine.
Molecular consequence: missense variant.
Genome position (GRCh38, 1-based): chr5:36,972,015, C>G. VCF-style: chr5-36972015-C-G. GRCh37 (hg19) VCF-style: chr5-36972117-C-G.
Other names: c.842C>G, p.Pro281Arg (NM_015384.5); short protein forms P281R.
Identifiers: ClinVar variation 2702116 (VCV002702116.3), dbSNP rs2479098227, ClinGen allele CA359480501.

ClinVar aggregate classification (germline): Uncertain significance (1 of 4 stars; one submission).

Conditions:
Cornelia de Lange syndrome 1 (CDLS1). Also called: Brachmann de Lange syndrome; TYPUS DEGENERATIVUS AMSTELODAMENSIS; NIPBL-Related Cornelia de Lange Syndrome. Identifiers: Orphanet 199, MedGen C4551851, MONDO:0007387, OMIM 122470.

Submission:

Labcorp Genetics (formerly Invitae), Labcorp
Classification: Uncertain significance for Cornelia de Lange syndrome 1. Last evaluated: 2023-11-27. Review status: criteria provided, single submitter. Criteria: Invitae Variant Classification Sherloc (09022015). Collection method: clinical testing. Allele origin: germline.
Comment: This sequence change replaces proline, which is neutral and non-polar, with arginine, which is basic and polar, at codon 281 of the NIPBL protein (p.Pro281Arg). This variant is not present in population databases (gnomAD no frequency). This variant has not been reported in the literature in individuals affected with NIPBL-related conditions. Advanced modeling of protein sequence and biophysical properties (such as structural, functional, and spatial information, amino acid conservation, physicochemical variation, residue mobility, and thermodynamic stability) performed at Invitae indicates that this missense variant is expected to disrupt NIPBL protein function with a positive predictive value of 80%. In summary, the available evidence is currently insufficient to determine the role of this variant in disease. Therefore, it has been classified as a Variant of Uncertain Significance.